The following is an entry in ClinVar:

NM_006231.4(POLE):c.1885G>A (p.Ala629Thr)

Gene: POLE (DNA polymerase epsilon, catalytic subunit; minus strand). Cytogenetic location: 12q24.33.
Variant type: single nucleotide variant.
Coding change: c.1885G>A on transcript NM_006231.4 (MANE Select); coding-DNA position 1885, G replaced by A.
Protein change: p.Ala629Thr; replaces alanine 629 with threonine.
Molecular consequence: missense variant.
Genome position (GRCh38, 1-based): chr12:132,668,849, C>T on the plus strand (G>A on the coding strand, the complement: POLE is on the minus strand). VCF-style: chr12-132668849-C-T. GRCh37 (hg19) VCF-style: chr12-133245435-C-T.
Other names: c.1885G>A (NM_006231.2); short protein forms A629T.
Identifiers: ClinVar variation 658144 (VCV000658144.18), dbSNP rs1481858602, ClinGen allele CA387355346.

ClinVar aggregate classification (germline): Uncertain significance. Review status: criteria provided, multiple submitters, no conflicts (2 of 4 stars). 3 submissions from 3 submitters: Uncertain significance (3). Last evaluated 2025-10-09.

Conditions:
Hereditary cancer-predisposing syndrome. Also called: Hereditary neoplastic syndrome; Neoplastic Syndromes, Hereditary; Hereditary Cancer Syndrome; Tumor predisposition. Identifiers: Orphanet 140162, MedGen C0027672, MeSH D009386, MONDO:0015356.

Allele frequency attached by ClinVar (database versions not stated): gnomAD exomes below 0.00001; TOPMed below 0.00001.
gnomAD v4.1: 6 of 1,613,928 alleles (0.00037%); highest among the groups gnomAD compares: Non-Finnish European, 0.00042%; no homozygotes.

Submissions (3):

Labcorp Genetics (formerly Invitae), Labcorp
Classification: Uncertain significance. Last evaluated: 2025-10-09. Review status: criteria provided, single submitter. Criteria: Invitae Variant Classification Sherloc (09022015). Collection method: clinical testing. Allele origin: germline.
Comment: This sequence change replaces alanine, which is neutral and non-polar, with threonine, which is neutral and polar, at codon 629 of the POLE protein (p.Ala629Thr). This variant is present in population databases (no rsID available, gnomAD 0.004%). This variant has not been reported in the literature in individuals affected with POLE-related conditions. ClinVar contains an entry for this variant (Variation ID: 658144). Invitae Evidence Modeling of protein sequence and biophysical properties (such as structural, functional, and spatial information, amino acid conservation, physicochemical variation, residue mobility, and thermodynamic stability) indicates that this missense variant is expected to disrupt POLE protein function with a positive predictive value of 80%. In summary, the available evidence is currently insufficient to determine the role of this variant in disease. Therefore, it has been classified as a Variant of Uncertain Significance.

Ambry Genetics
Classification: Uncertain significance for Hereditary cancer-predisposing syndrome. Last evaluated: 2025-07-01. Review status: criteria provided, single submitter. Criteria: Ambry Variant Classification Scheme 2023. Collection method: clinical testing. Allele origin: germline.
Comment: The p.A629T variant (also known as c.1885G>A), located in coding exon 17 of the POLE gene, results from a G to A substitution at nucleotide position 1885. The alanine at codon 629 is replaced by threonine, an amino acid with similar properties. This amino acid position is conserved. In addition, the in silico prediction for this alteration is inconclusive. Based on the available evidence, the clinical significance of this variant remains unclear.

GeneDx
Classification: Uncertain significance. Last evaluated: 2022-08-23. Review status: criteria provided, single submitter. Criteria: GeneDx Variant Classification Process June 2021. Collection method: clinical testing. Allele origin: germline. Affected: yes.
Comment: Not observed at significant frequency in large population cohorts (gnomAD); In silico analysis supports that this missense variant has a deleterious effect on protein structure/function; Has not been previously published as pathogenic or benign to our knowledge